The following is an entry in ClinVar:

NM_001165963.4(SCN1A):c.1120T>C (p.Ser374Pro)

Gene: SCN1A (sodium voltage-gated channel alpha subunit 1; minus strand). Cytogenetic location: 2q24.3.
Variant type: single nucleotide variant.
Coding change: c.1120T>C on transcript NM_001165963.4 (MANE Select); coding-DNA position 1120, T replaced by C.
Protein change: p.Ser374Pro; replaces serine 374 with proline.
Molecular consequence: missense variant. On other transcripts: 5 prime UTR variant (1), non-coding transcript variant (1).
Genome position (GRCh38, 1-based): chr2:166,047,677, A>G on the plus strand (T>C on the coding strand, the complement: SCN1A is on the minus strand). VCF-style: chr2-166047677-A-G. GRCh37 (hg19) VCF-style: chr2-166904187-A-G.
Other names: c.1120T>C, p.Ser374Pro (NM_001165964.3, NM_001202435.3, NM_001353948.2 and 10 more transcripts); c.-1306T>C (NM_001353961.2); short protein forms S374P.
Identifiers: ClinVar variation 2811808 (VCV002811808.3), dbSNP rs2468189109, ClinGen allele CA349071173.

ClinVar aggregate classification (germline): Likely pathogenic (1 of 4 stars; one submission).

Conditions:
Early-infantile DEE. Also called: Early infantile epileptic encephalopathy; Early infantile epileptic encephalopathy with suppression bursts; Ohtahara syndrome. Identifiers: Orphanet 1934, MedGen C0393706, MONDO:0800491.

Submission:

Labcorp Genetics (formerly Invitae), Labcorp
Classification: Likely pathogenic for Early-infantile DEE. Last evaluated: 2022-11-03. Review status: criteria provided, single submitter. Criteria: Invitae Variant Classification Sherloc (09022015). Collection method: clinical testing. Allele origin: germline.
Comment: In summary, the currently available evidence indicates that the variant is pathogenic, but additional data are needed to prove that conclusively. Therefore, this variant has been classified as Likely Pathogenic. This variant disrupts the p.Ser374 amino acid residue in SCN1A. Other variant(s) that disrupt this residue have been determined to be pathogenic (PMID: 27465585). This suggests that this residue is clinically significant, and that variants that disrupt this residue are likely to be disease-causing. Advanced modeling of protein sequence and biophysical properties (such as structural, functional, and spatial information, amino acid conservation, physicochemical variation, residue mobility, and thermodynamic stability) performed at Invitae indicates that this missense variant is expected to disrupt SCN1A protein function. This variant has not been reported in the literature in individuals affected with SCN1A-related conditions. This variant is not present in population databases (gnomAD no frequency). This sequence change replaces serine, which is neutral and polar, with proline, which is neutral and non-polar, at codon 374 of the SCN1A protein (p.Ser374Pro).

Literature cited by the submitters: PubMed 27465585.